The following is an entry in ClinVar:

NM_130466.4(UBE3B):c.536G>A (p.Arg179Gln)

Gene: UBE3B (ubiquitin protein ligase E3B; plus strand). Cytogenetic location: 12q24.11.
Variant type: single nucleotide variant.
Coding change: c.536G>A on transcript NM_130466.4 (MANE Select); coding-DNA position 536, G replaced by A.
Protein change: p.Arg179Gln; replaces arginine 179 with glutamine.
Molecular consequence: missense variant.
Genome position (GRCh38, 1-based): chr12:109,488,660, G>A. VCF-style: chr12-109488660-G-A. GRCh37 (hg19) VCF-style: chr12-109926465-G-A.
Other names: c.536G>A, p.Arg179Gln (NM_001270449.2, NM_001270450.2, NM_001270451.2 and 1 more transcripts); c.536G>A (NM_130466.2); short protein forms R179Q.
Identifiers: ClinVar variation 2195132 (VCV002195132.4), dbSNP rs201692069, ClinGen allele CA6777547.

ClinVar aggregate classification (germline): Uncertain significance. Review status: criteria provided, multiple submitters, no conflicts (2 of 4 stars). 3 submissions from 3 submitters: Uncertain significance (3). Last evaluated 2024-11-19.

Conditions:
Inborn genetic diseases. Identifiers: MedGen C0950123, MeSH D030342.

Allele frequency attached by ClinVar (database versions not stated): gnomAD 0.00008; TOPMed 0.00009; ExAC 0.00012; 1000 Genomes Project 30x 0.00016; 1000 Genomes Project 0.00020; gnomAD exomes 0.00025.
gnomAD v4.1: 373 of 1,613,842 alleles (0.023%); highest among the groups gnomAD compares: Non-Finnish European, 0.029%; no homozygotes.

Submissions (3):

Blueprint Genetics
Classification: Uncertain significance. Last evaluated: 2024-11-19. Review status: criteria provided, single submitter. Criteria: ACMG Guidelines, 2015. Collection method: clinical testing. Allele origin: germline.

Ambry Genetics
Classification: Uncertain significance for Inborn genetic diseases. Last evaluated: 2023-06-30. Review status: criteria provided, single submitter. Criteria: Ambry Variant Classification Scheme 2023. Collection method: clinical testing. Allele origin: germline.

Labcorp Genetics (formerly Invitae), Labcorp
Classification: Uncertain significance. Last evaluated: 2022-06-10. Review status: criteria provided, single submitter. Criteria: Invitae Variant Classification Sherloc (09022015). Collection method: clinical testing. Allele origin: germline.
Comment: This sequence change replaces arginine, which is basic and polar, with glutamine, which is neutral and polar, at codon 179 of the UBE3B protein (p.Arg179Gln). This variant is present in population databases (rs201692069, gnomAD 0.02%). This variant has not been reported in the literature in individuals affected with UBE3B-related conditions. Algorithms developed to predict the effect of missense changes on protein structure and function (SIFT, PolyPhen-2, Align-GVGD) all suggest that this variant is likely to be tolerated. Algorithms developed to predict the effect of sequence changes on RNA splicing suggest that this variant may create or strengthen a splice site. In summary, the available evidence is currently insufficient to determine the role of this variant in disease. Therefore, it has been classified as a Variant of Uncertain Significance.